The following is an entry in ClinVar:

ClinVar aggregate classification (germline): Uncertain significance (1 of 4 stars; one submission).

Conditions:
Glycogen storage disease, type I. Identifiers: Orphanet 364, MedGen C0017920, MONDO:0002413.

Submission:

Myriad Genetics, Inc.
Classification: Uncertain significance for Glycogen storage disease, type I. Last evaluated: 2025-08-08. Review status: criteria provided, single submitter. Criteria: Myriad Autosomal Dominant, Autosomal Recessive and X-Linked Classification Criteria (2023). Collection method: clinical testing. Allele origin: unknown.
Comment: NM_001164277.1(SLC37A4):c.947A>C(Y316S) is a missense variant classified as a variant of uncertain significance in the context of glycogen storage disease type Ib. Y316S has not been observed in cases with relevant disease. Relevant functional assessments of this variant are not available in the literature. Y316S has not been observed in referenced population frequency databases. In summary, there is insufficient evidence to classify NM_001164277.1(SLC37A4):c.947A>C(Y316S) as pathogenic or benign. Please note: this variant was assessed in the context of healthy population screening.

NM_001164277.2(SLC37A4):c.947A>C (p.Tyr316Ser)

Gene: SLC37A4 (solute carrier family 37 member 4; minus strand). Cytogenetic location: 11q23.3.
Variant type: single nucleotide variant.
Coding change: c.947A>C on transcript NM_001164277.2 (MANE Select); coding-DNA position 947, A replaced by C.
Protein change: p.Tyr316Ser; replaces tyrosine 316 with serine.
Molecular consequence: missense variant.
Genome position (GRCh38, 1-based): chr11:119,026,004, T>G on the plus strand (A>C on the coding strand, the complement: SLC37A4 is on the minus strand). VCF-style: chr11-119026004-T-G. GRCh37 (hg19) VCF-style: chr11-118896714-T-G.
Other names: c.947A>C, p.Tyr316Ser (NM_001164278.2, NM_001164280.2, NM_001467.6); c.728A>C, p.Tyr243Ser (NM_001164279.2); short protein forms Y316S, Y243S.
Identifiers: ClinVar variation 5004112 (VCV005004112.1).